The following is an entry in ClinVar:

NM_152703.5(SAMD9L):c.3941T>C (p.Leu1314Pro)

Gene: SAMD9L (sterile alpha motif domain containing 9 like; minus strand). Cytogenetic location: 7q21.2.
Variant type: single nucleotide variant.
Coding change: c.3941T>C on transcript NM_152703.5 (MANE Select); coding-DNA position 3941, T replaced by C.
Protein change: p.Leu1314Pro; replaces leucine 1314 with proline.
Molecular consequence: missense variant.
Genome position (GRCh38, 1-based): chr7:93,132,031, A>G on the plus strand (T>C on the coding strand, the complement: SAMD9L is on the minus strand). VCF-style: chr7-93132031-A-G. GRCh37 (hg19) VCF-style: chr7-92761344-A-G.
Other names: c.3941T>C, p.Leu1314Pro (NM_001303496.3, NM_001303497.3, NM_001303498.3 and 5 more transcripts); short protein forms L1314P.
Identifiers: ClinVar variation 3660873 (VCV003660873.2).

ClinVar aggregate classification (germline): Uncertain significance (1 of 4 stars; one submission).

Submission:

Labcorp Genetics (formerly Invitae), Labcorp
Classification: Uncertain significance. Last evaluated: 2024-07-30. Review status: criteria provided, single submitter. Criteria: Invitae Variant Classification Sherloc (09022015). Collection method: clinical testing. Allele origin: germline.
Comment: This sequence change replaces leucine, which is neutral and non-polar, with proline, which is neutral and non-polar, at codon 1314 of the SAMD9L protein (p.Leu1314Pro). This variant is not present in population databases (gnomAD no frequency). This variant has not been reported in the literature in individuals affected with SAMD9L-related conditions. Advanced modeling of protein sequence and biophysical properties (such as structural, functional, and spatial information, amino acid conservation, physicochemical variation, residue mobility, and thermodynamic stability) performed at Invitae indicates that this missense variant is not expected to disrupt SAMD9L protein function with a negative predictive value of 80%. In summary, the available evidence is currently insufficient to determine the role of this variant in disease. Therefore, it has been classified as a Variant of Uncertain Significance.